The following is an entry in ClinVar:

NM_001031685.3(TP53BP2):c.1599C>T (p.Asp533=)

Gene: TP53BP2 (tumor protein p53 binding protein 2; minus strand). Cytogenetic location: 1q41.
Variant type: single nucleotide variant.
Coding change: c.1599C>T on transcript NM_001031685.3 (MANE Select); coding-DNA position 1599, C replaced by T.
Protein change: p.Asp533=; no amino-acid change (aspartic acid 533 retained).
Molecular consequence: synonymous variant.
Genome position (GRCh38, 1-based): chr1:223,798,564, G>A on the plus strand (C>T on the coding strand, the complement: TP53BP2 is on the minus strand). VCF-style: chr1-223798564-G-A. GRCh37 (hg19) VCF-style: chr1-223986266-G-A.
Other names: c.1212C>T, p.Asp404= (NM_005426.3).
Identifiers: ClinVar variation 769257 (VCV000769257.7), dbSNP rs141114880, ClinGen allele CA1412778.

ClinVar aggregate classification (germline): Benign. Review status: criteria provided, multiple submitters, no conflicts (2 of 4 stars). 3 submissions from 3 submitters: Benign (2). 1 of the submissions does not count toward it. Last evaluated 2019-12-31.

Conditions:
TP53BP2-related disorder. Also called: TP53BP2-related condition.

Allele frequency attached by ClinVar (database versions not stated): 1000 Genomes Project 30x 0.00187; TOPMed 0.00217; 1000 Genomes Project 0.00220; ESP Exome Variant Server 0.00254; gnomAD exomes 0.00342 and 0.00427; ExAC 0.00411; gnomAD 0.00420 and 0.00444.
gnomAD v4.1: 5,676 of 1,614,128 alleles (0.35%); highest among the groups gnomAD compares: Non-Finnish European, 0.3%; 36 homozygotes.

Submissions (3):

Labcorp Genetics (formerly Invitae), Labcorp
Classification: Benign. Last evaluated: 2019-12-31. Review status: criteria provided, single submitter. Criteria: Invitae Variant Classification Sherloc (09022015). Collection method: clinical testing. Allele origin: germline.

Breakthrough Genomics
Classification: Benign. Review status: criteria provided, single submitter. Criteria: ACMG Guidelines, 2015. Collection method: not provided. Allele origin: germline. Inheritance: Unknown mechanism. Affected: yes.

PreventionGenetics, part of Exact Sciences
Classification: Benign for TP53BP2-related condition. Last evaluated: 2019-11-18. Review status: no assertion criteria provided. Collection method: clinical testing. Allele origin: germline. Not counted in ClinVar's aggregate classification.
Comment: This variant is classified as benign based on ACMG/AMP sequence variant interpretation guidelines (Richards et al. 2015 PMID: 25741868, with internal and published modifications).